The following is an entry in ClinVar:

ClinVar aggregate classification (germline): Uncertain significance (1 of 4 stars; one submission).

Conditions:
Dyskeratosis congenita. Identifiers: Orphanet 1775, MedGen C0265965, MONDO:0015780.

Submission:

Labcorp Genetics (formerly Invitae), Labcorp
Classification: Uncertain significance for Dyskeratosis congenita. Last evaluated: 2023-01-20. Review status: criteria provided, single submitter. Criteria: Invitae Variant Classification Sherloc (09022015). Collection method: clinical testing. Allele origin: germline.
Comment: Variants that disrupt the consensus splice site are a relatively common cause of aberrant splicing (PMID: 17576681, 9536098). Algorithms developed to predict the effect of sequence changes on RNA splicing suggest that this variant may disrupt the consensus splice site. In summary, the available evidence is currently insufficient to determine the role of this variant in disease. Therefore, it has been classified as a Variant of Uncertain Significance. This variant has not been reported in the literature in individuals affected with NHP2-related conditions. This sequence change falls in intron 3 of the NHP2 gene. It does not directly change the encoded amino acid sequence of the NHP2 protein. It affects a nucleotide within the consensus splice site. This variant is not present in population databases (gnomAD no frequency).

Literature cited by the submitters: PubMed 17576681; PubMed 9536098.

NM_017838.4(NHP2):c.336+2T>C

Gene: NHP2 (NHP2 ribonucleoprotein; minus strand). Cytogenetic location: 5q35.3.
Variant type: single nucleotide variant.
Coding change: c.336+2T>C on transcript NM_017838.4 (MANE Select); the canonical splice donor site of the intron after coding-DNA position 336, T replaced by C.
Molecular consequence: splice donor variant. On other transcripts: intron variant (1).
Genome position (GRCh38, 1-based): chr5:178,150,886, A>G on the plus strand (T>C on the coding strand, the complement: NHP2 is on the minus strand). VCF-style: chr5-178150886-A-G. GRCh37 (hg19) VCF-style: chr5-177577887-A-G.
Other names: c.231-1048T>C (NM_001034833.2); c.336+2T>C (NM_001396110.1).
Identifiers: ClinVar variation 2830539 (VCV002830539.3), dbSNP rs2480683212, ClinGen allele CA362391715.